The following is an entry in ClinVar:

ClinVar aggregate classification (germline): Benign. Review status: criteria provided, multiple submitters, no conflicts (2 of 4 stars). 2 submissions from 2 submitters: Benign (2). Last evaluated 2016-03-28.

Allele frequency attached by ClinVar (database versions not stated): gnomAD 0.04022; ExAC 0.39829.

Submissions (2):

Laboratory for Molecular Medicine, Mass General Brigham Personalized Medicine
Classification: Benign. Last evaluated: 2016-03-28. Review status: criteria provided, single submitter. Criteria: LMM Criteria. Collection method: clinical testing. Allele origin: germline.
Comment: Variant identified in a genome or exome case(s) and assessed due to predicted null impact of the variant or pathogenic assertions in the literature or databases. Disclaimer: This variant has not undergone full assessment. The following are preliminary notes: Frequency

Breakthrough Genomics
Classification: Benign. Review status: criteria provided, single submitter. Criteria: ACMG Guidelines, 2015. Collection method: not provided. Allele origin: germline. Inheritance: Unknown mechanism. Affected: yes.

NM_001004695.2(OR2T33):c.479T>C (p.Val160Ala)

Gene: OR2T33 (olfactory receptor family 2 subfamily T member 33; minus strand). Cytogenetic location: 1q44.
Variant type: single nucleotide variant.
Coding change: c.479T>C on transcript NM_001004695.2 (MANE Select); coding-DNA position 479, T replaced by C.
Protein change: p.Val160Ala; replaces valine 160 with alanine.
Molecular consequence: missense variant.
Genome position (GRCh38, 1-based): chr1:248,273,336, A>G on the plus strand (T>C on the coding strand, the complement: OR2T33 is on the minus strand). VCF-style: chr1-248273336-A-G. GRCh37 (hg19) VCF-style: chr1-248436638-A-G.
Other names: short protein forms V160A.
Identifiers: ClinVar variation 403272 (VCV000403272.5), dbSNP rs200877558, ClinGen allele CA1502113.